The following is an entry in ClinVar:

ClinVar aggregate classification (germline): Pathogenic (1 of 4 stars; one submission).

Conditions:
Charcot-Marie-Tooth disease axonal type 2V. Also called: CHARCOT-MARIE-TOOTH NEUROPATHY, TYPE 2V; CHARCOT-MARIE-TOOTH DISEASE, AXONAL, AUTOSOMAL DOMINANT, TYPE 2V. Identifiers: Orphanet 447964, MedGen C5569050, MONDO:0014665, OMIM 616491.
Mucopolysaccharidosis, MPS-III-B (MPS3B). Also called: N-ACETYL-ALPHA-D-GLUCOSAMINIDASE DEFICIENCY; NAGLU DEFICIENCY; SANFILIPPO SYNDROME B; MPS III B; Mucopolysaccharidosis type IIIB (Sanfilippo B); MUCOPOLYSACCHARIDOSIS, TYPE IIIB. Identifiers: Orphanet 79270, MedGen C0086648, MONDO:0009656, OMIM 252920.

Submission:

Labcorp Genetics (formerly Invitae), Labcorp
Classification: Pathogenic for Charcot-Marie-Tooth disease axonal type 2V; Mucopolysaccharidosis, MPS-III-B. Last evaluated: 2023-03-09. Review status: criteria provided, single submitter. Criteria: Invitae Variant Classification Sherloc (09022015). Collection method: clinical testing. Allele origin: germline.
Comment: This sequence change results in a frameshift in the NAGLU gene (p.Gly689Alafs*118). While this is not anticipated to result in nonsense mediated decay, it is expected to disrupt the last 55 amino acid(s) of the NAGLU protein and extend the protein by 62 additional amino acid residues. This variant is not present in population databases (gnomAD no frequency). This variant has not been reported in the literature in individuals affected with NAGLU-related conditions. This variant disrupts a region of the NAGLU protein in which other variant(s) (p.Gln706*) have been determined to be pathogenic (PMID: 9443875, 29661560). This suggests that this is a clinically significant region of the protein, and that variants that disrupt it are likely to be disease-causing. For these reasons, this variant has been classified as Pathogenic.

Literature cited by the submitters: PubMed 9443875; PubMed 29661560.

NM_000263.4(NAGLU):c.2066del (p.Gly689fs)

Gene: NAGLU (N-acetyl-alpha-glucosaminidase; plus strand). Cytogenetic location: 17q21.2.
Variant type: Deletion.
Coding change: c.2066del on transcript NM_000263.4 (MANE Select); coding-DNA position 2066, one base deleted (G; older notation c.2066delG).
Protein change: p.Gly689fs; shifts the reading frame from glycine 689.
Molecular consequence: frameshift variant.
Genome position (GRCh38, 1-based): chr17:42,544,072, G deleted; the last of 3 consecutive G bases (chr17:42,544,070-42,544,072); deleting any one gives the same sequence. VCF-style (leftmost placement, unchanged base first): chr17-42544069-AG-A. GRCh37 (hg19) VCF-style: chr17-40696087-AG-A.
Other names: short protein forms G689fs.
Identifiers: ClinVar variation 2944642 (VCV002944642.3), dbSNP rs2510660968, ClinGen allele CA2740095370.